The following is an entry in ClinVar:

ClinVar aggregate classification (germline): Benign/Likely benign. Review status: criteria provided, multiple submitters, no conflicts (2 of 4 stars). 5 submissions from 5 submitters: Benign (1); Likely benign (4). Last evaluated 2026-01-27.

Conditions:
Hereditary cancer-predisposing syndrome. Also called: Neoplastic Syndromes, Hereditary; Hereditary Cancer Syndrome; Tumor predisposition; Hereditary neoplastic syndrome. Identifiers: Orphanet 140162, MedGen C0027672, MeSH D009386, MONDO:0015356.
Fanconi anemia complementation group J. Also called: BRIP1-Related Fanconi Anemia. Identifiers: Orphanet 84, MedGen C1836860, MONDO:0012187, OMIM 609054.
Familial cancer of breast. Also called: Hereditary breast cancer; hereditary breast carcinoma; BREAST CANCER, FAMILIAL. Identifiers: Orphanet 227535, MedGen C0346153, MONDO:0016419, OMIM 114480. Disease mechanism: loss of function.

gnomAD v4.1: 1 of 1,612,730 alleles (0.000062%); highest among the groups gnomAD compares: Non-Finnish European, 0.000085%; no homozygotes.

Submissions (5):

Labcorp Genetics (formerly Invitae), Labcorp
Classification: Likely benign for Familial cancer of breast; Fanconi anemia complementation group J. Last evaluated: 2026-01-27. Review status: criteria provided, single submitter. Criteria: Invitae Variant Classification Sherloc (09022015). Collection method: clinical testing. Allele origin: germline.

CeGaT Center for Human Genetics Tuebingen
Classification: Likely benign. Last evaluated: 2024-11-01. Review status: criteria provided, single submitter. Criteria: CeGaT Center For Human Genetics Tuebingen Variant Classification Criteria Version 2. Collection method: clinical testing. Allele origin: germline. Affected: yes. Observed: 1 variant allele.
Comment: BRIP1: BP4, BP7

Myriad Genetics, Inc.
Classification: Benign for Familial cancer of breast. Last evaluated: 2024-09-10. Review status: criteria provided, single submitter. Criteria: Myriad Autosomal Dominant, Autosomal Recessive and X-Linked Classification Criteria (2023). Collection method: clinical testing. Allele origin: unknown.
Comment: This variant is considered benign. This variant is a silent/synonymous amino acid change and it is not expected to impact splicing.

Color Diagnostics, LLC DBA Color Health
Classification: Likely benign for Hereditary cancer-predisposing syndrome. Last evaluated: 2019-10-03. Review status: criteria provided, single submitter. Criteria: ACMG Guidelines, 2015. Collection method: clinical testing. Allele origin: germline.

Ambry Genetics
Classification: Likely benign for Hereditary cancer-predisposing syndrome. Last evaluated: 2015-03-18. Review status: criteria provided, single submitter. Criteria: Ambry Variant Classification Scheme 2023. Collection method: clinical testing. Allele origin: germline.

NM_032043.3(BRIP1):c.3667C>T (p.Leu1223=)

Gene: BRIP1 (BRCA1 interacting DNA helicase 1; minus strand). Cytogenetic location: 17q23.2.
Variant type: single nucleotide variant.
Coding change: c.3667C>T on transcript NM_032043.3 (MANE Select); coding-DNA position 3667, C replaced by T.
Protein change: p.Leu1223=; no amino-acid change (leucine 1223 retained).
Molecular consequence: synonymous variant.
Genome position (GRCh38, 1-based): chr17:61,683,379, G>A on the plus strand (C>T on the coding strand, the complement: BRIP1 is on the minus strand). VCF-style: chr17-61683379-G-A. GRCh37 (hg19) VCF-style: chr17-59760740-G-A.
Identifiers: ClinVar variation 230913 (VCV000230913.34), dbSNP rs748310432, ClinGen allele CA10580769.
Genomic context (GRCh38, chr17:61,683,379, plus strand): 5'-CTTTATTTTTGGAAGGAGATGGTTTAAAGTTCTTTATTTCTATTTCATGAGTTTTTCCCA[G>A]TTCCAGTTCATTTATCCAAGTTGTTTTTACATTACCATCAATGTCATCAATTTTACTTTC-3'
Protein context (NP_114432.2, residues 1213-1233): VKTTWINELE[Leu1223=]GKTHEIEIKN